The following is an entry in ClinVar:

ClinVar aggregate classification (germline): Uncertain significance (1 of 4 stars; one submission).

Conditions:
Hereditary cancer-predisposing syndrome. Also called: Tumor predisposition; Hereditary Cancer Syndrome; Neoplastic Syndromes, Hereditary; Hereditary neoplastic syndrome. Identifiers: Orphanet 140162, MedGen C0027672, MeSH D009386, MONDO:0015356.

Submission:

Ambry Genetics
Classification: Uncertain significance for Hereditary cancer-predisposing syndrome. Last evaluated: 2019-12-12. Review status: criteria provided, single submitter. Criteria: Ambry Variant Classification Scheme 2023. Collection method: clinical testing. Allele origin: germline.
Comment: The p.K3179N variant (also known as c.9537G>C), located in coding exon 25 of the BRCA2 gene, results from a G to C substitution at nucleotide position 9537. The lysine at codon 3179 is replaced by asparagine, an amino acid with similar properties. This amino acid position is highly conserved in available vertebrate species. In addition, the in silico prediction for this alteration is inconclusive. Since supporting evidence is limited at this time, the clinical significance of this alteration remains unclear.

NM_000059.4(BRCA2):c.9537G>C (p.Lys3179Asn)

Gene: BRCA2 (BRCA2 DNA repair associated; plus strand). Cytogenetic location: 13q13.1.
Variant type: single nucleotide variant.
Coding change: c.9537G>C on transcript NM_000059.4 (MANE Select); coding-DNA position 9537, G replaced by C.
Protein change: p.Lys3179Asn; replaces lysine 3179 with asparagine.
Molecular consequence: missense variant.
Genome position (GRCh38, 1-based): chr13:32,396,933, G>C. VCF-style: chr13-32396933-G-C. GRCh37 (hg19) VCF-style: chr13-32971070-G-C.
Other names: short protein forms K3179N.
Identifiers: ClinVar variation 823320 (VCV000823320.4), dbSNP rs756185318, ClinGen allele CA387763093.